The following is an entry in ClinVar:

ClinVar aggregate classification (germline): Likely benign. Review status: criteria provided, multiple submitters, no conflicts (2 of 4 stars). 2 submissions from 2 submitters: Likely benign (2). Last evaluated 2026-03-01.

Submissions (2):

CeGaT Center for Human Genetics Tuebingen
Classification: Likely benign. Last evaluated: 2026-03-01. Review status: criteria provided, single submitter. Criteria: CeGaT Center For Human Genetics Tuebingen Variant Classification Criteria Version 2. Collection method: clinical testing. Allele origin: germline. Affected: yes. Observed: 1 variant allele.
Comment: KIDINS220: BP4, BP7

Labcorp Genetics (formerly Invitae), Labcorp
Classification: Likely benign. Last evaluated: 2025-02-03. Review status: criteria provided, single submitter. Criteria: Invitae Variant Classification Sherloc (09022015). Collection method: clinical testing. Allele origin: germline.

NM_020738.4(KIDINS220):c.151C>T (p.Leu51=)

Gene: KIDINS220 (kinase D interacting substrate 220; minus strand). Cytogenetic location: 2p25.1.
Variant type: single nucleotide variant.
Coding change: c.151C>T on transcript NM_020738.4 (MANE Select); coding-DNA position 151, C replaced by T.
Protein change: p.Leu51=; no amino-acid change (leucine 51 retained).
Molecular consequence: synonymous variant. On other transcripts: non-coding transcript variant (2).
Genome position (GRCh38, 1-based): chr2:8,818,751, G>A on the plus strand (C>T on the coding strand, the complement: KIDINS220 is on the minus strand). VCF-style: chr2-8818751-G-A. GRCh37 (hg19) VCF-style: chr2-8958881-G-A.
Other names: c.151C>T, p.Leu51= (NM_001348729.2, NM_001348731.2, NM_001348732.2 and 9 more transcripts); c.25C>T, p.Leu9= (NM_001348736.2).
Identifiers: ClinVar variation 4703272 (VCV004703272.5).